The following is an entry in ClinVar:

NM_032776.3(JMJD1C):c.68C>T (p.Ala23Val)

Genes: JMJD1C (jumonji domain containing 1C; minus strand), JMJD1C-AS1 (JMJD1C antisense RNA 1; plus strand). Cytogenetic location: 10q21.3.
Variant type: single nucleotide variant.
Coding change: c.68C>T on transcript NM_032776.3 (MANE Select); coding-DNA position 68, C replaced by T.
Protein change: p.Ala23Val; replaces alanine 23 with valine.
Molecular consequence: missense variant. On other transcripts: non-coding transcript variant (1), intron variant (2).
Genome position (GRCh38, 1-based): chr10:63,465,595, G>A on the plus strand (C>T on the coding strand, the complement: JMJD1C is on the minus strand). VCF-style: chr10-63465595-G-A. GRCh37 (hg19) VCF-style: chr10-65225355-G-A.
Other names: c.68C>T (NM_032776.1); c.68C>T, p.Ala23Val (NM_001322252.2); c.-384+56143C>T (NM_001322258.2); c.-379+56143C>T (NM_001318154.2); short protein forms A23V.
Identifiers: ClinVar variation 3009183 (VCV003009183.4), dbSNP rs777210479, ClinGen allele CA5519228.
Genomic context (GRCh38, chr10:63,465,595, plus strand): 5'-CGGATGACCCCCGCTCGCCAGCTTCGCCAGCCGCGTCCGCTCTCCCAGCGCTCCGAACGT[G>A]CCTCGTCGCCGACCGCCACACACAGGAACCGCTTACCCACCAGCTCTGCCCGCGTCTCTA-3'
Protein context (NP_116165.1, residues 13-33): RFLCVAVGDE[Ala23Val]RSERWESGRG

ClinVar aggregate classification (germline): Uncertain significance. Review status: criteria provided, multiple submitters, no conflicts (2 of 4 stars). 2 submissions from 2 submitters: Uncertain significance (2). Last evaluated 2024-09-01.

Conditions:
Early Myoclonic Encephalopathy. Identifiers: MedGen C0270855.

Allele frequency attached by ClinVar (database versions not stated): TOPMed below 0.00001; ExAC 0.00001; gnomAD exomes 0.00002; gnomAD 0.00001.
gnomAD v4.1: 24 of 1,609,504 alleles (0.0015%); highest among the groups gnomAD compares: Non-Finnish European, 0.0018%; no homozygotes.

Submissions (2):

Ambry Genetics
Classification: Uncertain significance. Last evaluated: 2024-09-01. Review status: criteria provided, single submitter. Criteria: Ambry Variant Classification Scheme 2023. Collection method: clinical testing. Allele origin: germline.

Labcorp Genetics (formerly Invitae), Labcorp
Classification: Uncertain significance for Early Myoclonic Encephalopathy. Last evaluated: 2023-10-28. Review status: criteria provided, single submitter. Criteria: Invitae Variant Classification Sherloc (09022015). Collection method: clinical testing. Allele origin: germline.
Comment: This sequence change replaces alanine, which is neutral and non-polar, with valine, which is neutral and non-polar, at codon 23 of the JMJD1C protein (p.Ala23Val). This variant is present in population databases (rs777210479, gnomAD 0.003%). This variant has not been reported in the literature in individuals affected with JMJD1C-related conditions. An algorithm developed to predict the effect of missense changes on protein structure and function (PolyPhen-2) suggests that this variant is likely to be tolerated. Algorithms developed to predict the effect of sequence changes on RNA splicing suggest that this variant may create or strengthen a splice site. In summary, the available evidence is currently insufficient to determine the role of this variant in disease. Therefore, it has been classified as a Variant of Uncertain Significance.